The following is an entry in ClinVar:

ClinVar aggregate classification (germline): Uncertain significance (1 of 4 stars; one submission).

Conditions:
STING-associated vasculopathy with onset in infancy. Also called: Sting-associated vasculopathy, infantile-onset. Identifiers: Orphanet 425120, MedGen C4014722, MONDO:0014405, OMIM 615934.

Submission:

Labcorp Genetics (formerly Invitae), Labcorp
Classification: Uncertain significance for STING-associated vasculopathy with onset in infancy. Last evaluated: 2022-10-12. Review status: criteria provided, single submitter. Criteria: Invitae Variant Classification Sherloc (09022015). Collection method: clinical testing. Allele origin: germline.
Comment: In summary, the available evidence is currently insufficient to determine the role of this variant in disease. Therefore, it has been classified as a Variant of Uncertain Significance. Variants that disrupt the consensus splice site are a relatively common cause of aberrant splicing (PMID: 17576681, 9536098). Algorithms developed to predict the effect of sequence changes on RNA splicing suggest that this variant is not likely to affect RNA splicing. This variant has not been reported in the literature in individuals affected with TMEM173-related conditions. This variant is not present in population databases (gnomAD no frequency). This sequence change falls in intron 7 of the TMEM173 gene. It does not directly change the encoded amino acid sequence of the TMEM173 protein. It affects a nucleotide within the consensus splice site.

Literature cited by the submitters: PubMed 17576681; PubMed 9536098.

NM_198282.4(STING1):c.947-3C>T

Gene: STING1 (stimulator of interferon response cGAMP interactor 1; minus strand). Cytogenetic location: 5q31.2.
Variant type: single nucleotide variant.
Coding change: c.947-3C>T on transcript NM_198282.4 (MANE Select); 3 bases into the intron before coding-DNA position 947, C replaced by T.
Molecular consequence: intron variant.
Genome position (GRCh38, 1-based): chr5:139,476,457, G>A on the plus strand (C>T on the coding strand, the complement: STING1 is on the minus strand). VCF-style: chr5-139476457-G-A. GRCh37 (hg19) VCF-style: chr5-138856042-G-A.
Other names: c.590-3C>T (NM_001367258.1); c.760-3C>T (NM_001301738.2).
Identifiers: ClinVar variation 2033001 (VCV002033001.4), dbSNP rs2547061098, ClinGen allele CA2580072941.